The following is an entry in ClinVar:

ClinVar aggregate classification (germline): Uncertain significance (1 of 4 stars; one submission).

Submission:

Labcorp Genetics (formerly Invitae), Labcorp
Classification: Uncertain significance. Last evaluated: 2024-12-05. Review status: criteria provided, single submitter. Criteria: Invitae Variant Classification Sherloc (09022015). Collection method: clinical testing. Allele origin: germline.
Comment: This sequence change replaces isoleucine, which is neutral and non-polar, with methionine, which is neutral and non-polar, at codon 236 of the NPAS4 protein (p.Ile236Met). This variant is not present in population databases (gnomAD no frequency). This variant has not been reported in the literature in individuals affected with NPAS4-related conditions. An algorithm developed to predict the effect of missense changes on protein structure and function (PolyPhen-2) suggests that this variant is likely to be disruptive. In summary, the available evidence is currently insufficient to determine the role of this variant in disease. Therefore, it has been classified as a Variant of Uncertain Significance.

NM_178864.4(NPAS4):c.708C>G (p.Ile236Met)

Gene: NPAS4 (neuronal PAS domain protein 4; plus strand). Cytogenetic location: 11q13.2.
Variant type: single nucleotide variant.
Coding change: c.708C>G on transcript NM_178864.4 (MANE Select); coding-DNA position 708, C replaced by G.
Protein change: p.Ile236Met; replaces isoleucine 236 with methionine.
Molecular consequence: missense variant. On other transcripts: intron variant (1).
Genome position (GRCh38, 1-based): chr11:66,423,132, C>G. VCF-style: chr11-66423132-C-G. GRCh37 (hg19) VCF-style: chr11-66190603-C-G.
Other names: c.178+191C>G (NM_001318804.1); short protein forms I236M.
Identifiers: ClinVar variation 3726577 (VCV003726577.2).